The following is an entry in ClinVar:

ClinVar aggregate classification (germline): Likely pathogenic (0 of 4 stars; one submission).

Submission:

Genetic Services Laboratory, University of Chicago
Classification: Likely pathogenic. Last evaluated: 2022-07-29. Review status: no assertion criteria provided. Collection method: clinical testing. Allele origin: germline. Affected: yes.
Comment: DNA sequence analysis of the EIF2B1 gene demonstrated a sequence change, c.131G>A, in exon 3 that results in an amino acid change, p.Gly44Asp. This sequence change has previously been described in the de-novo state in an individual with permanent neonatal diabetes mellitus and liver dysfunction (PMID: 31882561). The same publication found a different, de novo sequence change affecting the same amino acid residue in another individual with permanent neonatal diabetes mellitus (p.Gly44Val). This sequence change has not been described in population databases such as ExAC and gnomAD. The p.Gly44Asp change affects a moderately conserved amino acid residue located in a domain of the EIF2B1 protein that is known to be functional. In-silico pathogenicity prediction tools (SIFT, PolyPhen2, Align GVGD, REVEL) provide contradictory results for the p.Gly44Asp substitution. Based on this collective evidence, this sequence change is the likely cause of this individual's phenotype. However, functional studies have not been performed to prove this conclusively.

NM_001414.4(EIF2B1):c.131G>A (p.Gly44Asp)

Gene: EIF2B1 (eukaryotic translation initiation factor 2B subunit alpha; minus strand). Cytogenetic location: 12q24.31.
Variant type: single nucleotide variant.
Coding change: c.131G>A on transcript NM_001414.4 (MANE Select); coding-DNA position 131, G replaced by A.
Protein change: p.Gly44Asp; replaces glycine 44 with aspartic acid.
Molecular consequence: missense variant.
Genome position (GRCh38, 1-based): chr12:123,630,518, C>T on the plus strand (G>A on the coding strand, the complement: EIF2B1 is on the minus strand). VCF-style: chr12-123630518-C-T. GRCh37 (hg19) VCF-style: chr12-124115065-C-T.
Other names: short protein forms G44D.
Identifiers: ClinVar variation 2443120 (VCV002443120.2), dbSNP rs2541676186, ClinGen allele CA387145961.